The following is an entry in ClinVar:

ClinVar aggregate classification (germline): Uncertain significance. Review status: criteria provided, multiple submitters, no conflicts (2 of 4 stars). 2 submissions from 2 submitters: Uncertain significance (2). Last evaluated 2025-02-27.

Conditions:
Usher syndrome type 1D (USH1D). Also called: USHER SYNDROME, TYPE ID. Identifiers: Orphanet 231169, Orphanet 886, MedGen C1832845, MONDO:0010984, OMIM 601067.
Autosomal recessive nonsyndromic hearing loss 12. Also called: DEAFNESS, AUTOSOMAL RECESSIVE 12. Identifiers: Orphanet 90636, MedGen C1832394, MONDO:0011067, OMIM 601386.
Pituitary adenoma 5, multiple types. Identifiers: MedGen C4539685, MONDO:0054601, OMIM 617540.

Allele frequency attached by ClinVar (database versions not stated): gnomAD exomes 0.00001; gnomAD 0.00002; TOPMed 0.00002.
gnomAD v4.1: 11 of 1,613,514 alleles (0.00068%); highest among the groups gnomAD compares: African/African-American, 0.0027%; no homozygotes.

Submissions (2):

Labcorp Genetics (formerly Invitae), Labcorp
Classification: Uncertain significance. Last evaluated: 2025-02-27. Review status: criteria provided, single submitter. Criteria: Invitae Variant Classification Sherloc (09022015). Collection method: clinical testing. Allele origin: germline.
Comment: This sequence change replaces arginine, which is basic and polar, with glutamine, which is neutral and polar, at codon 1099 of the CDH23 protein (p.Arg1099Gln). This variant is not present in population databases (gnomAD no frequency). This variant has not been reported in the literature in individuals affected with CDH23-related conditions. ClinVar contains an entry for this variant (Variation ID: 1417433). Invitae Evidence Modeling of protein sequence and biophysical properties (such as structural, functional, and spatial information, amino acid conservation, physicochemical variation, residue mobility, and thermodynamic stability) has been performed for this missense variant. However, the output from this modeling did not meet the statistical confidence thresholds required to predict the impact of this variant on CDH23 protein function. In summary, the available evidence is currently insufficient to determine the role of this variant in disease. Therefore, it has been classified as a Variant of Uncertain Significance.

Fulgent Genetics
Classification: Uncertain significance for Usher syndrome type 1D; Autosomal recessive nonsyndromic hearing loss 12; Pituitary adenoma 5, multiple types. Last evaluated: 2021-11-05. Review status: criteria provided, single submitter. Criteria: ACMG Guidelines, 2015. Collection method: clinical testing. Allele origin: unknown.

NM_022124.6(CDH23):c.3296G>A (p.Arg1099Gln)

Genes: C10orf105 (chromosome 10 open reading frame 105; minus strand), CDH23 (cadherin related 23; plus strand). Cytogenetic location: 10q22.1.
Variant type: single nucleotide variant.
Coding change: c.3296G>A on transcript NM_022124.6 (MANE Select); coding-DNA position 3296, G replaced by A.
Protein change: p.Arg1099Gln; replaces arginine 1099 with glutamine.
Molecular consequence: missense variant. On other transcripts: 3 prime UTR variant (2).
Genome position (GRCh38, 1-based): chr10:71,712,740, G>A. VCF-style: chr10-71712740-G-A. GRCh37 (hg19) VCF-style: chr10-73472497-G-A.
Other names: c.*3196C>T (NM_001164375.3, NM_001168390.2); c.3296G>A, p.Arg1099Gln (NM_001171930.2); short protein forms R1099Q.
Identifiers: ClinVar variation 1417433 (VCV001417433.5), dbSNP rs1295355040, ClinGen allele CA377144426.
Genomic context (GRCh38, chr10:71,712,740, plus strand): 5'-GGAAGCGACACACGGGCACAGCCACCGTGTTCGTCACTGTCCTGGATGTGAATGACAACC[G>A]GCCCATCTTTCTGCAGAGCAGCTATGAGGCCAGCGTCCCTGAGGACATCCCTGAAGGCCA-3'
Protein context (NP_071407.4, residues 1089-1109): FVTVLDVNDN[Arg1099Gln]PIFLQSSYEA